The following is an entry in ClinVar:

NM_006904.7(PRKDC):c.12122G>A (p.Arg4041Gln)

Gene: PRKDC (protein kinase, DNA-activated, catalytic subunit; minus strand). Cytogenetic location: 8q11.21.
Variant type: single nucleotide variant.
Coding change: c.12122G>A on transcript NM_006904.7 (MANE Select); coding-DNA position 12122, G replaced by A.
Protein change: p.Arg4041Gln; replaces arginine 4041 with glutamine.
Molecular consequence: missense variant.
Genome position (GRCh38, 1-based): chr8:47,776,904, C>T on the plus strand (G>A on the coding strand, the complement: PRKDC is on the minus strand). VCF-style: chr8-47776904-C-T. GRCh37 (hg19) VCF-style: chr8-48689465-C-T.
Other names: c.12029G>A, p.Arg4010Gln (NM_001081640.2); short protein forms R4010Q, R4041Q.
Identifiers: ClinVar variation 1062868 (VCV001062868.4), dbSNP rs369274149, ClinGen allele CA4738901.

ClinVar aggregate classification (germline): Uncertain significance (1 of 4 stars; one submission).

Conditions:
Severe combined immunodeficiency due to DNA-PKcs deficiency. Also called: IMMUNODEFICIENCY 26 WITH NEUROLOGIC ABNORMALITIES; Immunodeficiency 26 with or without neurologic abnormalities. Identifiers: Orphanet 317425, MedGen C4014833, MONDO:0014423, OMIM 615966.

Allele frequency attached by ClinVar (database versions not stated): gnomAD exomes 0.00002 and 0.00004; TOPMed 0.00004; gnomAD 0.00005 and 0.00006; ExAC 0.00006; ESP Exome Variant Server 0.00008.
gnomAD v4.1: 44 of 1,613,762 alleles (0.0027%); highest among the groups gnomAD compares: South Asian, 0.0066%; no homozygotes.

Submission:

Labcorp Genetics (formerly Invitae), Labcorp
Classification: Uncertain significance for Severe combined immunodeficiency due to DNA-PKcs deficiency. Last evaluated: 2024-10-14. Review status: criteria provided, single submitter. Criteria: Invitae Variant Classification Sherloc (09022015). Collection method: clinical testing. Allele origin: germline.
Comment: This sequence change replaces arginine, which is basic and polar, with glutamine, which is neutral and polar, at codon 4041 of the PRKDC protein (p.Arg4041Gln). This variant is present in population databases (rs369274149, gnomAD 0.01%). This variant has not been reported in the literature in individuals affected with PRKDC-related conditions. ClinVar contains an entry for this variant (Variation ID: 1062868). Invitae Evidence Modeling of protein sequence and biophysical properties (such as structural, functional, and spatial information, amino acid conservation, physicochemical variation, residue mobility, and thermodynamic stability) indicates that this missense variant is not expected to disrupt PRKDC protein function with a negative predictive value of 80%. In summary, the available evidence is currently insufficient to determine the role of this variant in disease. Therefore, it has been classified as a Variant of Uncertain Significance.